The following is an entry in ClinVar:

NM_024408.4(NOTCH2):c.3461C>T (p.Ala1154Val)

Gene: NOTCH2 (notch receptor 2; minus strand). Cytogenetic location: 1p12.
Variant type: single nucleotide variant.
Coding change: c.3461C>T on transcript NM_024408.4 (MANE Select); coding-DNA position 3461, C replaced by T.
Protein change: p.Ala1154Val; replaces alanine 1154 with valine.
Molecular consequence: missense variant.
Genome position (GRCh38, 1-based): chr1:119,937,343, G>A on the plus strand (C>T on the coding strand, the complement: NOTCH2 is on the minus strand). VCF-style: chr1-119937343-G-A. GRCh37 (hg19) VCF-style: chr1-120479966-G-A.
Other names: c.3461C>T, p.Ala1154Val (NM_001200001.2); c.3461C>T (NM_024408.3); short protein forms A1154V.
Identifiers: ClinVar variation 1059931 (VCV001059931.11), dbSNP rs367562640, ClinGen allele CA1040060.
Genomic context (GRCh38, chr1:119,937,343, plus strand): 5'-TCGCATCTGTATCCACCAATGAAGTCACTGCATGTTGCCCCGTGCTGGCAGGGGTTGGAC[G>A]CACACTCATCGAGTTGCTCCTCACAGTAGCTCCCAGTATAGCCCAGGGGGCACTGACAGT-3'
Protein context (NP_077719.2, residues 1144-1164): SYCEEQLDEC[Ala1154Val]SNPCQHGATC

ClinVar aggregate classification (germline): Uncertain significance. Review status: criteria provided, multiple submitters, no conflicts (2 of 4 stars). 3 submissions from 3 submitters: Uncertain significance (3). Last evaluated 2026-05-13.

Conditions:
Alagille syndrome due to a NOTCH2 point mutation. Also called: Alagille syndrome 2. Identifiers: Orphanet 261629, Orphanet 52, MedGen C1857761, MONDO:0012439, OMIM 610205.
Hajdu-Cheney syndrome (HJCYS). Also called: ACROOSTEOLYSIS WITH OSTEOPOROSIS AND CHANGES IN SKULL AND MANDIBLE; SERPENTINE FIBULA-POLYCYSTIC KIDNEY SYNDROME; Acroosteolysis dominant type. Identifiers: Orphanet 955, MedGen C0917715, MONDO:0007057, OMIM 102500.
NOTCH2-related disorder. Also called: NOTCH2-related condition.

Allele frequency attached by ClinVar (database versions not stated): gnomAD 0.00002; TOPMed 0.00002; ExAC 0.00003; gnomAD exomes 0.00003; ESP Exome Variant Server 0.00008.
gnomAD v4.1: 54 of 1,613,956 alleles (0.0033%); highest among the groups gnomAD compares: Non-Finnish European, 0.0042%; no homozygotes.

Submissions (3):

PreventionGenetics, part of Exact Sciences
Classification: Uncertain significance for NOTCH2-related condition. Last evaluated: 2026-05-13. Review status: criteria provided, single submitter. Criteria: ACMG Guidelines, 2015. Collection method: clinical testing. Allele origin: germline.
Comment: The NOTCH2 c.3461C>T variant is predicted to result in the amino acid substitution p.Ala1154Val. To our knowledge, this variant has not been reported in the literature. This variant is reported in 0.0062% of alleles in individuals of European (Non-Finnish) descent in gnomAD. At this time, the clinical significance of this variant is uncertain due to the absence of conclusive functional and genetic evidence.

Labcorp Genetics (formerly Invitae), Labcorp
Classification: Uncertain significance for Hajdu-Cheney syndrome. Last evaluated: 2024-07-31. Review status: criteria provided, single submitter. Criteria: Invitae Variant Classification Sherloc (09022015). Collection method: clinical testing. Allele origin: germline.
Comment: This sequence change replaces alanine, which is neutral and non-polar, with valine, which is neutral and non-polar, at codon 1154 of the NOTCH2 protein (p.Ala1154Val). This variant is present in population databases (rs367562640, gnomAD 0.006%). This variant has not been reported in the literature in individuals affected with NOTCH2-related conditions. ClinVar contains an entry for this variant (Variation ID: 1059931). Advanced modeling of protein sequence and biophysical properties (such as structural, functional, and spatial information, amino acid conservation, physicochemical variation, residue mobility, and thermodynamic stability) performed at Invitae indicates that this missense variant is not expected to disrupt NOTCH2 protein function with a negative predictive value of 80%. In summary, the available evidence is currently insufficient to determine the role of this variant in disease. Therefore, it has been classified as a Variant of Uncertain Significance.

Fulgent Genetics
Classification: Uncertain significance for Hajdu-Cheney syndrome; Alagille syndrome due to a NOTCH2 point mutation. Last evaluated: 2024-05-13. Review status: criteria provided, single submitter. Criteria: ACMG Guidelines, 2015. Collection method: clinical testing. Allele origin: germline.